The following is an entry in ClinVar:

NM_024596.5(MCPH1):c.477del (p.Ser159_Leu160insTer)

Gene: MCPH1 (microcephalin 1; plus strand). Cytogenetic location: 8p23.1.
Variant type: Deletion.
Coding change: c.477del on transcript NM_024596.5 (MANE Select); coding-DNA position 477, one base deleted (A; older notation c.477delA).
Protein change: p.Ser159_Leu160insTer.
Molecular consequence: frameshift variant. On other transcripts: nonsense (2), non-coding transcript variant (1), intron variant (1).
Genome position (GRCh38, 1-based): chr8:6,438,993, A deleted. VCF-style (leftmost placement, unchanged base first): chr8-6438992-CA-C. GRCh37 (hg19) VCF-style: chr8-6296513-CA-C.
Other names: c.477del, p.Ser159_Leu160insTer (NM_001172574.2, NM_001322042.2, NM_001363979.1 and 1 more transcripts); c.471del, p.Ser157_Leu158insTer (NM_001322043.2); c.375del, p.Ser125_Leu126insTer (NM_001322045.2); c.477delA, p.Leu160Terfs (NM_001410916.1, NM_001410917.1); c.436+2831del (NM_001172575.2).
Identifiers: ClinVar variation 1705328 (VCV001705328.1), dbSNP rs2486061046, ClinGen allele CA2580078839.

ClinVar aggregate classification (germline): Pathogenic (1 of 4 stars; one submission).

Conditions:
Microcephaly 1, primary, autosomal recessive (MCPH1). Also called: PREMATURE CHROMOSOME CONDENSATION SYNDROME; PCC SYNDROME; PREMATURE CHROMOSOME CONDENSATION WITH MICROCEPHALY AND MENTAL RETARDATION. Identifiers: Orphanet 2512, MedGen C1855081, MONDO:0009617, OMIM 251200.

Submission:

3billion
Classification: Pathogenic for Microcephaly 1, primary, autosomal recessive. Last evaluated: 2022-09-01. Review status: criteria provided, single submitter. Criteria: ACMG Guidelines, 2015. Collection method: clinical testing. Allele origin: germline. Affected: yes. Observed: 1 homozygote.
Comment: The variant is not observed in the gnomAD v2.1.1 dataset. Frameshift variant is predicted to result in a loss or disruption of normal protein function through nonsense-mediated decay (NMD) or protein truncation. Multiple pathogenic variants are reported downstream of the variant. Therefore, this variant is classified as Pathogenic according to the recommendation of ACMG/AMP guideline.